The following is an entry in ClinVar:

ClinVar aggregate classification (germline): Uncertain significance (1 of 4 stars; one submission).

Submission:

GeneDx
Classification: Uncertain significance. Last evaluated: 2022-05-25. Review status: criteria provided, single submitter. Criteria: GeneDx Variant Classification Process June 2021. Collection method: clinical testing. Allele origin: germline. Affected: yes.
Comment: Not observed at significant frequency in large population cohorts (gnomAD); In silico analysis supports that this missense variant does not alter protein structure/function; Has not been previously published as pathogenic or benign to our knowledge

NM_052867.4(NALCN):c.1303C>A (p.Leu435Met)

Gene: NALCN (sodium leak channel, non-selective; minus strand). Cytogenetic location: 13q33.1.
Variant type: single nucleotide variant.
Coding change: c.1303C>A on transcript NM_052867.4 (MANE Select); coding-DNA position 1303, C replaced by A.
Protein change: p.Leu435Met; replaces leucine 435 with methionine.
Molecular consequence: missense variant.
Genome position (GRCh38, 1-based): chr13:101,237,886, G>T on the plus strand (C>A on the coding strand, the complement: NALCN is on the minus strand). VCF-style: chr13-101237886-G-T. GRCh37 (hg19) VCF-style: chr13-101890237-G-T.
Other names: c.1303C>A, p.Leu435Met (NM_001350748.2, NM_001350749.2); c.1216C>A, p.Leu406Met (NM_001350750.2, NM_001350751.2); short protein forms L406M, L435M.
Identifiers: ClinVar variation 1800977 (VCV001800977.1), dbSNP rs1158232200, ClinGen allele CA388703265.